The following is an entry in ClinVar:

ClinVar aggregate classification (germline): Conflicting classifications of pathogenicity. Review status: criteria provided, conflicting classifications (1 of 4 stars). 8 submissions from 8 submitters: Uncertain significance (6); Likely benign (1). 1 of the submissions does not count toward it. Last evaluated 2025-07-18.

Conditions:
Spermatogenic failure 28. Identifiers: MedGen C4748117, MONDO:0054732, OMIM 618086.
Premature ovarian failure 15. Identifiers: MedGen C4748170, MONDO:0054862, OMIM 618096.
Fanconi anemia (FA). Also called: Fanconi's anemia. Identifiers: Orphanet 84, MedGen C0015625, MeSH D005199, MONDO:0019391.
FANCM-related disorder. Also called: FANCM-related condition.

Allele frequency attached by ClinVar (database versions not stated): TOPMed 0.00014; gnomAD 0.00019 and 0.00020; ESP Exome Variant Server 0.00023; 1000 Genomes Project 0.00040.
gnomAD v4.1: 245 of 1,592,726 alleles (0.015%); highest among the groups gnomAD compares: Non-Finnish European, 0.016%; no homozygotes.

Submissions (8):

Quest Diagnostics Nichols Institute San Juan Capistrano
Classification: Uncertain significance. Last evaluated: 2025-07-18. Review status: criteria provided, single submitter. Criteria: Quest Diagnostics criteria. Collection method: clinical testing. Allele origin: unknown.
Comment: The FANCM c.4627C>T (p.Leu1543Phe) variant has been reported in the published literature in individuals with breast and/or ovarian cancer (PMIDs: 28881617 (2017), 29351780 (2018), 33471991 (2021), see also LOVD, 36707629 (2023)), as well as in reportedly unaffected individuals (PMIDs: 28881617 (2017), 33471991 (2021), see also LOVD, 36707629 (2023)). This variant has also been reported in a child with acute lymphocytic leukemia (PMID: 26580448 (2015)). The frequency of this variant in the general population (Genome Aggregation Database) is uninformative in the assessment of its pathogenicity. Analysis of this variant using bioinformatics tools for the prediction of the effect of amino acid changes on protein structure and function yielded conflicting predictions that this variant is benign or damaging. Based on the available information, we are unable to determine the clinical significance of this variant.

GeneDx
Classification: Uncertain significance. Last evaluated: 2025-07-16. Review status: criteria provided, single submitter. Criteria: GeneDx Variant Classification Process June 2021. Collection method: clinical testing. Allele origin: germline. Affected: yes.
Comment: Observed in individuals with breast cancer, ovarian cancer, or acute lymphoblastic leukemia (PMID: 28881617, 29351780, 26580448); In silico analysis suggests that this missense variant does not alter protein structure/function; This variant is associated with the following publications: (PMID: 29351780, 28881617, 26580448)

Labcorp Genetics (formerly Invitae), Labcorp
Classification: Uncertain significance for Fanconi anemia. Last evaluated: 2025-02-02. Review status: criteria provided, single submitter. Criteria: Invitae Variant Classification Sherloc (09022015). Collection method: clinical testing. Allele origin: germline.
Comment: This sequence change replaces leucine, which is neutral and non-polar, with phenylalanine, which is neutral and non-polar, at codon 1543 of the FANCM protein (p.Leu1543Phe). This variant is present in population databases (rs139536545, gnomAD 0.05%). This missense change has been observed in individual(s) with breast or ovarian cancer (PMID: 29351780). ClinVar contains an entry for this variant (Variation ID: 313220). An algorithm developed to predict the effect of missense changes on protein structure and function (PolyPhen-2) suggests that this variant is likely to be disruptive. In summary, the available evidence is currently insufficient to determine the role of this variant in disease. Therefore, it has been classified as a Variant of Uncertain Significance.

CeGaT Center for Human Genetics Tuebingen
Classification: Likely benign. Last evaluated: 2024-04-01. Review status: criteria provided, single submitter. Criteria: CeGaT Center For Human Genetics Tuebingen Variant Classification Criteria Version 2. Collection method: clinical testing. Allele origin: germline. Affected: yes. Observed: 1 variant allele.
Comment: FANCM: BP4

Fulgent Genetics
Classification: Uncertain significance for Spermatogenic failure 28; Premature ovarian failure 15. Last evaluated: 2024-02-27. Review status: criteria provided, single submitter. Criteria: ACMG Guidelines, 2015. Collection method: clinical testing. Allele origin: germline.

Institute for Clinical Genetics, University Hospital TU Dresden, University Hospital TU Dresden
Classification: Uncertain significance. Last evaluated: 2021-11-03. Review status: criteria provided, single submitter. Criteria: ACMG Guidelines, 2015. Collection method: clinical testing. Allele origin: germline.

Genetic Services Laboratory, University of Chicago
Classification: Uncertain significance. Last evaluated: 2020-12-24. Review status: criteria provided, single submitter. Criteria: ACMG Guidelines, 2015. Collection method: clinical testing. Allele origin: germline. Affected: no.
Comment: This sequence change does not appear to have been previously described in patients with FANCM-related disorders and has been described in the gnomAD database with a low population frequency of 0.022% (dbSNP rs139536545). The p.Leu1543Phe change affects a poorly conserved amino acid residue located in a domain of the FANCM protein that is not known to be functional. In-silico pathogenicity prediction tools (SIFT, PolyPhen2, Align GVGD, REVEL) provide contradictory results for the p.Leu1543Phe substitution. Due to these contrasting evidences and the lack of functional studies, the clinical significance of the p.Leu1543Phe change remains unknown at this time.

PreventionGenetics, part of Exact Sciences
Classification: Uncertain significance for FANCM-related condition. Last evaluated: 2023-12-31. Review status: no assertion criteria provided. Collection method: clinical testing. Allele origin: germline. Not counted in ClinVar's aggregate classification.
Comment: The FANCM c.4627C>T variant is predicted to result in the amino acid substitution p.Leu1543Phe. To our knowledge, this variant has not been reported in the literature. This variant is reported in 0.056% of alleles in individuals of European (Finnish) descent in gnomAD. This variant is interpreted as uncertain in ClinVar. At this time, the clinical significance of this variant is uncertain due to the absence of conclusive functional and genetic evidence.

Literature cited by the submitters: PubMed 29351780 (cited by Quest Diagnostics Nichols Institute San Juan Capistrano and Labcorp Genetics (formerly Invitae), Labcorp); PubMed 26580448 (cited by Quest Diagnostics Nichols Institute San Juan Capistrano); PubMed 33652732 (cited by Quest Diagnostics Nichols Institute San Juan Capistrano); PubMed 36707629 (cited by Quest Diagnostics Nichols Institute San Juan Capistrano); PubMed 28881617 (cited by Quest Diagnostics Nichols Institute San Juan Capistrano).

NM_020937.4(FANCM):c.4627C>T (p.Leu1543Phe)

Gene: FANCM (FA complementation group M; plus strand). Cytogenetic location: 14q21.2.
Variant type: single nucleotide variant.
Coding change: c.4627C>T on transcript NM_020937.4 (MANE Select); coding-DNA position 4627, C replaced by T.
Protein change: p.Leu1543Phe; replaces leucine 1543 with phenylalanine.
Molecular consequence: missense variant.
Genome position (GRCh38, 1-based): chr14:45,185,328, C>T. VCF-style: chr14-45185328-C-T. GRCh37 (hg19) VCF-style: chr14-45654531-C-T.
Other names: c.4549C>T, p.Leu1517Phe (NM_001308133.2); c.4627C>T (LRG_502t1); short protein forms L1543F, L1517F.
Identifiers: ClinVar variation 313220 (VCV000313220.47), dbSNP rs139536545, ClinGen allele CA7169808.
Genomic context (GRCh38, chr14:45,185,328, plus strand): 5'-GCAGAATATGTTTCATCAGATGAAAATGATGAGTCAGAAAATGAACAAGATTCCTCATTA[C>T]TTGACTTTTTAAATGATGAAACTCAACTTTCACAGGCTATAAATGGTAAATGTTATAATG-3'
Protein context (NP_065988.1, residues 1533-1553): ESENEQDSSL[Leu1543Phe]DFLNDETQLS